The following is an entry in ClinVar:

ClinVar aggregate classification (germline): Uncertain significance (1 of 4 stars; one submission).

Submission:

Labcorp Genetics (formerly Invitae), Labcorp
Classification: Uncertain significance. Last evaluated: 2023-08-09. Review status: criteria provided, single submitter. Criteria: Invitae Variant Classification Sherloc (09022015). Collection method: clinical testing. Allele origin: germline.
Comment: This variant has not been reported in the literature in individuals affected with POLR1A-related conditions. An algorithm developed to predict the effect of missense changes on protein structure and function (PolyPhen-2) suggests that this variant is likely to be tolerated. In summary, the available evidence is currently insufficient to determine the role of this variant in disease. Therefore, it has been classified as a Variant of Uncertain Significance. Information on the frequency of this variant in the gnomAD database is not available, as this variant may be reported differently in the database. This sequence change replaces serine, which is neutral and polar, with asparagine, which is neutral and polar, at codon 382 of the POLR1A protein (p.Ser382Asn).

NM_015425.6(POLR1A):c.1144_1145delinsAA (p.Ser382Asn)

Gene: POLR1A (RNA polymerase I subunit A; minus strand). Cytogenetic location: 2p11.2.
Variant type: Indel.
Coding change: c.1144_1145delinsAA on transcript NM_015425.6 (MANE Select); coding-DNA positions 1144 to 1145, TC replaced by AA.
Protein change: p.Ser382Asn; replaces serine 382 with asparagine.
Molecular consequence: missense variant.
Genome position (GRCh38, 1-based): chr2:86,078,226-86,078,227, GA replaced by TT on the plus strand (TC replaced by AA on the coding strand, the reverse complement: POLR1A is on the minus strand). VCF-style: chr2-86078226-GA-TT. GRCh37 (hg19) VCF-style: chr2-86305349-GA-TT.
Other names: short protein forms S382N.
Identifiers: ClinVar variation 2748512 (VCV002748512.3), dbSNP rs2466442092, ClinGen allele CA2697548324.